The following is an entry in ClinVar:

ClinVar aggregate classification (germline): Uncertain significance (1 of 4 stars; one submission).

Conditions:
Severe combined immunodeficiency due to DNA-PKcs deficiency. Also called: IMMUNODEFICIENCY 26 WITH NEUROLOGIC ABNORMALITIES; Immunodeficiency 26 with or without neurologic abnormalities. Identifiers: Orphanet 317425, MedGen C4014833, MONDO:0014423, OMIM 615966.

Allele frequency attached by ClinVar (database versions not stated): gnomAD exomes below 0.00001; gnomAD 0.00001; TOPMed 0.00001.
gnomAD v4.1: 5 of 1,612,694 alleles (0.00031%); highest among the groups gnomAD compares: African/African-American, 0.0027%; no homozygotes.

Submission:

Labcorp Genetics (formerly Invitae), Labcorp
Classification: Uncertain significance for Severe combined immunodeficiency due to DNA-PKcs deficiency. Last evaluated: 2022-02-04. Review status: criteria provided, single submitter. Criteria: Invitae Variant Classification Sherloc (09022015). Collection method: clinical testing. Allele origin: germline.
Comment: In summary, the available evidence is currently insufficient to determine the role of this variant in disease. Therefore, it has been classified as a Variant of Uncertain Significance. Experimental studies and prediction algorithms are not available or were not evaluated, and the functional significance of this variant is currently unknown. This variant has not been reported in the literature in individuals affected with PRKDC-related conditions. This variant is present in population databases (no rsID available, gnomAD 0.004%). This sequence change replaces alanine, which is neutral and non-polar, with valine, which is neutral and non-polar, at codon 3945 of the PRKDC protein (p.Ala3945Val).

NM_006904.7(PRKDC):c.11834C>T (p.Ala3945Val)

Gene: PRKDC (protein kinase, DNA-activated, catalytic subunit; minus strand). Cytogenetic location: 8q11.21.
Variant type: single nucleotide variant.
Coding change: c.11834C>T on transcript NM_006904.7 (MANE Select); coding-DNA position 11834, C replaced by T.
Protein change: p.Ala3945Val; replaces alanine 3945 with valine.
Molecular consequence: missense variant.
Genome position (GRCh38, 1-based): chr8:47,778,478, G>A on the plus strand (C>T on the coding strand, the complement: PRKDC is on the minus strand). VCF-style: chr8-47778478-G-A. GRCh37 (hg19) VCF-style: chr8-48691039-G-A.
Other names: c.11741C>T, p.Ala3914Val (NM_001081640.2); short protein forms A3914V, A3945V.
Identifiers: ClinVar variation 1479883 (VCV001479883.6), dbSNP rs1333590856, ClinGen allele CA371128461.